The following is an entry in ClinVar:

ClinVar aggregate classification (germline): Uncertain significance (1 of 4 stars; one submission).

gnomAD v4.1: 1 of 1,614,138 alleles (0.000062%); no homozygotes.

Submission:

Labcorp Genetics (formerly Invitae), Labcorp
Classification: Uncertain significance. Last evaluated: 2025-06-18. Review status: criteria provided, single submitter. Criteria: Invitae Variant Classification Sherloc (09022015). Collection method: clinical testing. Allele origin: germline.
Comment: This sequence change replaces valine, which is neutral and non-polar, with isoleucine, which is neutral and non-polar, at codon 182 of the NSMCE3 protein (p.Val182Ile). This variant is not present in population databases (gnomAD no frequency). This variant has not been reported in the literature in individuals affected with NSMCE3-related conditions. Invitae Evidence Modeling of protein sequence and biophysical properties (such as structural, functional, and spatial information, amino acid conservation, physicochemical variation, residue mobility, and thermodynamic stability) indicates that this missense variant is not expected to disrupt NSMCE3 protein function with a negative predictive value of 80%. In summary, the available evidence is currently insufficient to determine the role of this variant in disease. Therefore, it has been classified as a Variant of Uncertain Significance.

NM_138704.4(NSMCE3):c.544G>A (p.Val182Ile)

Genes: ENTREP2 (endosomal transmembrane epsin interactor 2; minus strand), NSMCE3 (NSE3 component of SMC5/6 complex; minus strand). Cytogenetic location: 15q13.1.
Variant type: single nucleotide variant.
Coding change: c.544G>A on transcript NM_138704.4 (MANE Select); coding-DNA position 544, G replaced by A.
Protein change: p.Val182Ile; replaces valine 182 with isoleucine.
Molecular consequence: missense variant. On other transcripts: intron variant (5).
Genome position (GRCh38, 1-based): chr15:29,269,162, C>T on the plus strand (G>A on the coding strand, the complement: NSMCE3 is on the minus strand). VCF-style: chr15-29269162-C-T. GRCh37 (hg19) VCF-style: chr15-29561366-C-T.
Other names: c.-12-16684G>A (NM_001387217.1, NM_001387215.1, NM_001387216.1); c.277-16684G>A (NM_001387214.1, NM_015307.2); short protein forms V182I.
Identifiers: ClinVar variation 4810804 (VCV004810804.1).